The following is an entry in ClinVar:

NM_198506.5(LRIT3):c.730C>T (p.Gln244Ter)

Gene: LRIT3 (leucine rich repeat, Ig-like and transmembrane domains 3; plus strand). Cytogenetic location: 4q25.
Variant type: single nucleotide variant.
Coding change: c.730C>T on transcript NM_198506.5 (MANE Select); coding-DNA position 730, C replaced by T.
Protein change: p.Gln244Ter; replaces glutamine 244 with a stop codon.
Molecular consequence: nonsense.
Genome position (GRCh38, 1-based): chr4:109,867,781, C>T. VCF-style: chr4-109867781-C-T. GRCh37 (hg19) VCF-style: chr4-110788937-C-T.
Other names: short protein forms Q244*.
Identifiers: ClinVar variation 1063466 (VCV001063466.4), dbSNP rs375217997, ClinGen allele CA3043053.

ClinVar aggregate classification (germline): Conflicting classifications of pathogenicity. Review status: criteria provided, conflicting classifications (1 of 4 stars). 2 submissions from 2 submitters: Likely pathogenic (1); Uncertain significance (1). Last evaluated 2023-12-21.

Conditions:
LRIT3-related disorders.

Allele frequency attached by ClinVar (database versions not stated): ExAC 0.00001; gnomAD 0.00001; gnomAD exomes 0.00001 and 0.00003; TOPMed 0.00002; ESP Exome Variant Server 0.00008.
gnomAD v4.1: 40 of 1,614,058 alleles (0.0025%); highest among the groups gnomAD compares: Non-Finnish European, 0.0033%; no homozygotes.

Submissions (2):

Blueprint Genetics
Classification: Likely pathogenic for LRIT3-related disorders. Last evaluated: 2023-12-21. Review status: criteria provided, single submitter. Criteria: ACMG Guidelines, 2015. Collection method: clinical testing. Allele origin: germline. Affected: yes. Observed: 3 variant alleles.

Labcorp Genetics (formerly Invitae), Labcorp
Classification: Uncertain significance. Last evaluated: 2020-10-09. Review status: criteria provided, single submitter. Criteria: Invitae Variant Classification Sherloc (09022015). Collection method: clinical testing. Allele origin: germline.
Comment: This sequence change creates a premature translational stop signal (p.Gln244*) in the LRIT3 gene. It is expected to result in an absent or disrupted protein product. This variant is present in population databases (rs375217997, ExAC 0.01%). In summary, the available evidence is currently insufficient to determine the role of this variant in disease. Therefore, it has been classified as a Variant of Uncertain Significance. The current clinical and genetic evidence is not sufficient to establish whether loss-of-function variants in LRIT3 cause disease. This variant has not been reported in the literature in individuals with LRIT3-related conditions.